The following is an entry in ClinVar:

ClinVar aggregate classification (germline): Likely benign. Review status: criteria provided, multiple submitters, no conflicts (2 of 4 stars). 3 submissions from 3 submitters: Likely benign (3). Last evaluated 2026-01-22.

Conditions:
MARS1-related disorder. Also called: MARS1-related condition.
Charcot-Marie-Tooth disease axonal type 2U. Also called: CHARCOT-MARIE-TOOTH NEUROPATHY, TYPE 2U; CHARCOT-MARIE-TOOTH DISEASE, AXONAL, AUTOSOMAL DOMINANT, TYPE 2U. Identifiers: Orphanet 397735, MedGen C4084821, MONDO:0014566, OMIM 616280.
Severe early-onset pulmonary alveolar proteinosis due to MARS deficiency. Also called: PULMONARY ALVEOLAR PROTEINOSIS, REUNION ISLAND; Interstitial lung and liver disease. Identifiers: Orphanet 440427, MedGen C4225400, MONDO:0014206, OMIM 615486.

Allele frequency attached by ClinVar (database versions not stated): gnomAD 0.00001 and 0.00002; TOPMed 0.00002.

Submissions (3):

PreventionGenetics, part of Exact Sciences
Classification: Likely benign for MARS1-related condition. Last evaluated: 2026-01-22. Review status: criteria provided, single submitter. Criteria: ACMG Guidelines, 2015. Collection method: clinical testing. Allele origin: germline.
Comment: This variant is classified as likely benign based on ACMG/AMP sequence variant interpretation guidelines (Richards et al. 2015 PMID: 25741868, with internal and published modifications).

Labcorp Genetics (formerly Invitae), Labcorp
Classification: Likely benign for Charcot-Marie-Tooth disease axonal type 2U; Severe early-onset pulmonary alveolar proteinosis due to MARS deficiency. Last evaluated: 2025-12-23. Review status: criteria provided, single submitter. Criteria: Invitae Variant Classification Sherloc (09022015). Collection method: clinical testing. Allele origin: germline.

Women's Health and Genetics/Laboratory Corporation of America, LabCorp
Classification: Likely benign. Last evaluated: 2025-09-08. Review status: criteria provided, single submitter. Criteria: LabCorp Variant Classification Summary - May 2015. Collection method: clinical testing. Allele origin: germline.
Comment: Variant summary: MARS1 c.496C>T alters a conserved nucleotide resulting in a synonymous change. Consensus agreement among computation tools predict no significant impact on normal splicing. However, these predictions have yet to be confirmed by functional studies. The variant allele was found at a frequency of 1.4e-05 in 280732 control chromosomes. The available data on variant occurrences in the general population are insufficient to allow any conclusion about variant significance. To our knowledge, no occurrence of c.496C>T in individuals affected with MARS1-related conditions and no experimental evidence demonstrating its impact on protein function have been reported. ClinVar contains an entry for this variant (Variation ID: 707617). Based on the evidence outlined above, the variant was classified as likely benign.

NM_004990.4(MARS1):c.496C>T (p.Leu166=)

Gene: MARS1 (methionyl-tRNA synthetase 1; plus strand). Cytogenetic location: 12q13.3.
Variant type: single nucleotide variant.
Coding change: c.496C>T on transcript NM_004990.4 (MANE Select); coding-DNA position 496, C replaced by T.
Protein change: p.Leu166=; no amino-acid change (leucine 166 retained).
Molecular consequence: synonymous variant.
Genome position (GRCh38, 1-based): chr12:57,490,212, C>T. VCF-style: chr12-57490212-C-T. GRCh37 (hg19) VCF-style: chr12-57883995-C-T.
Identifiers: ClinVar variation 707617 (VCV000707617.12), dbSNP rs760702485, ClinGen allele CA6650205.